The following is an entry in ClinVar:

NM_005996.4(TBX3):c.1710+6G>C

Gene: TBX3 (T-box transcription factor 3; minus strand). Cytogenetic location: 12q24.21.
Variant type: single nucleotide variant.
Coding change: c.1710+6G>C on transcript NM_005996.4 (MANE Select); 6 bases into the intron after coding-DNA position 1710, G replaced by C.
Molecular consequence: intron variant.
Genome position (GRCh38, 1-based): chr12:114,674,159, C>G on the plus strand (G>C on the coding strand, the complement: TBX3 is on the minus strand). VCF-style: chr12-114674159-C-G. GRCh37 (hg19) VCF-style: chr12-115111964-C-G.
Other names: c.1770+6G>C (NM_016569.4).
Identifiers: ClinVar variation 2986101 (VCV002986101.3), dbSNP rs1176333215, ClinGen allele CA608055462.

ClinVar aggregate classification (germline): Uncertain significance (1 of 4 stars; one submission).

Conditions:
Ulnar-mammary syndrome (UMS). Also called: SCHINZEL SYNDROME; PALLISTER ULNAR-MAMMARY SYNDROME; Ulnar-mammary syndrome of Pallister. Identifiers: Orphanet 3138, MedGen C1866994, MONDO:0008411, OMIM 181450.

Allele frequency attached by ClinVar (database versions not stated): gnomAD exomes below 0.00001.
gnomAD v4.1: 5 of 1,580,358 alleles (0.00032%); highest among the groups gnomAD compares: Non-Finnish European, 0.00043%; no homozygotes.

Submission:

Labcorp Genetics (formerly Invitae), Labcorp
Classification: Uncertain significance for Ulnar-mammary syndrome. Last evaluated: 2023-11-19. Review status: criteria provided, single submitter. Criteria: Invitae Variant Classification Sherloc (09022015). Collection method: clinical testing. Allele origin: germline.
Comment: This sequence change falls in intron 6 of the TBX3 gene. It does not directly change the encoded amino acid sequence of the TBX3 protein. It affects a nucleotide within the consensus splice site. The frequency data for this variant in the population databases is considered unreliable, as metrics indicate poor data quality at this position in the gnomAD database. This variant has not been reported in the literature in individuals affected with TBX3-related conditions. Variants that disrupt the consensus splice site are a relatively common cause of aberrant splicing (PMID: 17576681, 9536098). Algorithms developed to predict the effect of sequence changes on RNA splicing suggest that this variant is not likely to affect RNA splicing. In summary, the available evidence is currently insufficient to determine the role of this variant in disease. Therefore, it has been classified as a Variant of Uncertain Significance.

Literature cited by the submitters: PubMed 17576681; PubMed 9536098.